The following is an entry in ClinVar:

NM_000270.4(PNP):c.200G>A (p.Arg67Gln)

Gene: PNP (purine nucleoside phosphorylase; plus strand). Cytogenetic location: 14q11.2.
Variant type: single nucleotide variant.
Coding change: c.200G>A on transcript NM_000270.4 (MANE Select); coding-DNA position 200, G replaced by A.
Protein change: p.Arg67Gln; replaces arginine 67 with glutamine.
Molecular consequence: missense variant.
Genome position (GRCh38, 1-based): chr14:20,474,490, G>A. VCF-style: chr14-20474490-G-A. GRCh37 (hg19) VCF-style: chr14-20942649-G-A.
Other names: short protein forms R67Q.
Identifiers: ClinVar variation 2913219 (VCV002913219.2), dbSNP rs372793308, ClinGen allele CA7082050.

ClinVar aggregate classification (germline): Uncertain significance. Review status: criteria provided, multiple submitters, no conflicts (2 of 4 stars). 2 submissions from 2 submitters: Uncertain significance (2). Last evaluated 2025-04-13.

Conditions:
Inborn genetic diseases. Identifiers: MedGen C0950123, MeSH D030342.
Purine-nucleoside phosphorylase deficiency. Also called: NUCLEOSIDE PHOSPHORYLASE DEFICIENCY; Immunodeficiency due to purine nucleoside phosphorylase deficiency. Identifiers: Orphanet 760, MedGen C0268125, MONDO:0013171, OMIM 613179.

Allele frequency attached by ClinVar (database versions not stated): ExAC 0.00003; gnomAD 0.00003; TOPMed 0.00005; ESP Exome Variant Server 0.00008.
gnomAD v4.1: 34 of 1,613,928 alleles (0.0021%); highest among the groups gnomAD compares: Non-Finnish European, 0.0025%; no homozygotes.

Submissions (2):

Ambry Genetics
Classification: Uncertain significance for Inborn genetic diseases. Last evaluated: 2025-04-13. Review status: criteria provided, single submitter. Criteria: Ambry Variant Classification Scheme 2023. Collection method: clinical testing. Allele origin: germline.

Labcorp Genetics (formerly Invitae), Labcorp
Classification: Uncertain significance for Purine-nucleoside phosphorylase deficiency. Last evaluated: 2023-07-17. Review status: criteria provided, single submitter. Criteria: Invitae Variant Classification Sherloc (09022015). Collection method: clinical testing. Allele origin: germline.
Comment: This sequence change replaces arginine, which is basic and polar, with glutamine, which is neutral and polar, at codon 67 of the PNP protein (p.Arg67Gln). This variant is present in population databases (rs372793308, gnomAD 0.004%). This variant has not been reported in the literature in individuals affected with PNP-related conditions. Advanced modeling of protein sequence and biophysical properties (such as structural, functional, and spatial information, amino acid conservation, physicochemical variation, residue mobility, and thermodynamic stability) performed at Invitae indicates that this missense variant is not expected to disrupt PNP protein function. In summary, the available evidence is currently insufficient to determine the role of this variant in disease. Therefore, it has been classified as a Variant of Uncertain Significance.